The following is an entry in ClinVar:

ClinVar aggregate classification (germline): Pathogenic (1 of 4 stars; one submission).

Conditions:
Primary ciliary dyskinesia. Also called: Ciliary dyskinesia. Identifiers: Orphanet 244, MedGen C0008780, MONDO:0016575, HP:0012265.

Submission:

Labcorp Genetics (formerly Invitae), Labcorp
Classification: Pathogenic for Primary ciliary dyskinesia. Last evaluated: 2023-08-30. Review status: criteria provided, single submitter. Criteria: Invitae Variant Classification Sherloc (09022015). Collection method: clinical testing. Allele origin: germline.
Comment: For these reasons, this variant has been classified as Pathogenic. This variant has not been reported in the literature in individuals affected with DRC1-related conditions. This variant is a gross deletion of the genomic region encompassing exon(s) 8-9 of the DRC1 gene. This deletion is out-of-frame, and is expected to create a premature termination codon and result in an absent or disrupted protein product. Loss-of-function variants in DRC1 are known to be pathogenic (PMID: 23354437, 31960620).

Literature cited by the submitters: PubMed 23354437; PubMed 31960620.

NC_000002.12:g.(?_26440358)_(26444376_?)del

Gene: DRC1 (dynein regulatory complex subunit 1; plus strand). Cytogenetic location: 2p23.3.
Variant type: Deletion.
Identifiers: ClinVar variation 659594 (VCV000659594.4).